The following is an entry in ClinVar:

ClinVar aggregate classification (germline): Uncertain significance. Review status: criteria provided, multiple submitters, no conflicts (2 of 4 stars). 2 submissions from 2 submitters: Uncertain significance (2). Last evaluated 2025-02-08.

Conditions:
Inborn genetic diseases. Identifiers: MedGen C0950123, MeSH D030342.

Allele frequency attached by ClinVar (database versions not stated): gnomAD 0.00001; gnomAD exomes 0.00001; ExAC 0.00002; TOPMed 0.00002.
gnomAD v4.1: 22 of 1,614,000 alleles (0.0014%); highest among the groups gnomAD compares: Admixed American, 0.005%; no homozygotes.

Submissions (2):

Ambry Genetics
Classification: Uncertain significance for Inborn genetic diseases. Last evaluated: 2025-02-08. Review status: criteria provided, single submitter. Criteria: Ambry Variant Classification Scheme 2023. Collection method: clinical testing. Allele origin: germline.

Labcorp Genetics (formerly Invitae), Labcorp
Classification: Uncertain significance. Last evaluated: 2023-04-27. Review status: criteria provided, single submitter. Criteria: Invitae Variant Classification Sherloc (09022015). Collection method: clinical testing. Allele origin: germline.
Comment: This variant has not been reported in the literature in individuals affected with CSGALNACT1-related conditions. In summary, the available evidence is currently insufficient to determine the role of this variant in disease. Therefore, it has been classified as a Variant of Uncertain Significance. An algorithm developed to predict the effect of missense changes on protein structure and function (PolyPhen-2) suggests that this variant¬† is likely to be tolerated. This variant is present in population databases (rs749469876, gnomAD 0.03%). This sequence change replaces cysteine, which is neutral and slightly polar, with serine, which is neutral and polar, at codon 24 of the CSGALNACT1 protein (p.Cys24Ser).

NM_001354483.2(CSGALNACT1):c.71G>C (p.Cys24Ser)

Gene: CSGALNACT1 (chondroitin sulfate N-acetylgalactosaminyltransferase 1; minus strand). Cytogenetic location: 8p21.3.
Variant type: single nucleotide variant.
Coding change: c.71G>C on transcript NM_001354483.2 (MANE Select); coding-DNA position 71, G replaced by C.
Protein change: p.Cys24Ser; replaces cysteine 24 with serine.
Molecular consequence: missense variant. On other transcripts: non-coding transcript variant (7).
Genome position (GRCh38, 1-based): chr8:19,505,764, C>G on the plus strand (G>C on the coding strand, the complement: CSGALNACT1 is on the minus strand). VCF-style: chr8-19505764-C-G. GRCh37 (hg19) VCF-style: chr8-19363275-C-G.
Other names: c.71G>C, p.Cys24Ser (NM_001130518.2, NM_001354475.2, NM_001354476.2 and 18 more transcripts); c.71G>C (NM_001130518.1); short protein forms C24S.
Identifiers: ClinVar variation 2965114 (VCV002965114.2), dbSNP rs749469876, ClinGen allele CA4654364.